The following is an entry in ClinVar:

NM_145207.3(AFG2A):c.97C>G (p.Pro33Ala)

Gene: AFG2A (AAA ATPase AFG2A; plus strand). Cytogenetic location: 4q28.1.
Variant type: single nucleotide variant.
Coding change: c.97C>G on transcript NM_145207.3 (MANE Select); coding-DNA position 97, C replaced by G.
Protein change: p.Pro33Ala; replaces proline 33 with alanine.
Molecular consequence: missense variant.
Genome position (GRCh38, 1-based): chr4:122,923,239, C>G. VCF-style: chr4-122923239-C-G. GRCh37 (hg19) VCF-style: chr4-123844394-C-G.
Other names: c.97C>G, p.Pro33Ala (NM_001317799.2, NM_001345856.2); short protein forms P33A.
Identifiers: ClinVar variation 2147835 (VCV002147835.3), dbSNP rs376956304, ClinGen allele CA104805257.
Genomic context (GRCh38, chr4:122,923,239, plus strand): 5'-AGCGCGGAAAATGGTTCGTCCTTGCCCTCTGCTGCTTCCTCTTGTGCGGAGGCACGGGCT[C>G]CTTCTGCTGGATCAGACTTCGCGGCAACCTCCGGGACTCTGACGGTGACCAACTTATTAG-3'
Protein context (NP_660208.2, residues 23-43): AASSCAEARA[Pro33Ala]SAGSDFAATS

ClinVar aggregate classification (germline): Uncertain significance (1 of 4 stars; one submission).

Conditions:
Microcephaly-intellectual disability-sensorineural hearing loss-epilepsy-abnormal muscle tone syndrome (NEDHSB). Also called: NEURODEVELOPMENTAL DISORDER WITH HEARING LOSS, SEIZURES, AND BRAIN ABNORMALITIES. Identifiers: Orphanet 457351, MedGen C4225276, MONDO:0014698, OMIM 616577.

gnomAD v4.1: 7 of 1,614,086 alleles (0.00043%); highest among the groups gnomAD compares: African/African-American, 0.0053%; no homozygotes.

Submission:

Labcorp Genetics (formerly Invitae), Labcorp
Classification: Uncertain significance for Microcephaly-intellectual disability-sensorineural hearing loss-epilepsy-abnormal muscle tone syndrome. Last evaluated: 2023-10-03. Review status: criteria provided, single submitter. Criteria: Invitae Variant Classification Sherloc (09022015). Collection method: clinical testing. Allele origin: germline.
Comment: This sequence change replaces proline, which is neutral and non-polar, with alanine, which is neutral and non-polar, at codon 33 of the SPATA5 protein (p.Pro33Ala). This variant is not present in population databases (gnomAD no frequency). This variant has not been reported in the literature in individuals affected with SPATA5-related conditions. ClinVar contains an entry for this variant (Variation ID: 2147835). Advanced modeling of protein sequence and biophysical properties (such as structural, functional, and spatial information, amino acid conservation, physicochemical variation, residue mobility, and thermodynamic stability) performed at Invitae indicates that this missense variant is not expected to disrupt SPATA5 protein function. In summary, the available evidence is currently insufficient to determine the role of this variant in disease. Therefore, it has been classified as a Variant of Uncertain Significance.